The following is an entry in ClinVar:

NM_006459.4(ERLIN1):c.1036A>C (p.Ser346Arg)

Gene: ERLIN1 (ER lipid raft associated 1; minus strand). Cytogenetic location: 10q24.31.
Variant type: single nucleotide variant.
Coding change: c.1036A>C on transcript NM_006459.4 (MANE Select); coding-DNA position 1036, A replaced by C.
Protein change: p.Ser346Arg; replaces serine 346 with arginine.
Molecular consequence: missense variant. On other transcripts: non-coding transcript variant (6).
Genome position (GRCh38, 1-based): chr10:100,152,142, T>G on the plus strand (A>C on the coding strand, the complement: ERLIN1 is on the minus strand). VCF-style: chr10-100152142-T-G. GRCh37 (hg19) VCF-style: chr10-101911899-T-G.
Other names: c.1036A>C, p.Ser346Arg (NM_001100626.2, NM_001347857.2, NM_001347859.2 and 2 more transcripts); c.784A>C, p.Ser262Arg (NM_001347856.2); c.556A>C, p.Ser186Arg (NM_001347858.2); short protein forms S186R, S262R, S346R.
Identifiers: ClinVar variation 2817283 (VCV002817283.3), dbSNP rs2492747068, ClinGen allele CA378149990.

ClinVar aggregate classification (germline): Uncertain significance (1 of 4 stars; one submission).

Conditions:
Hereditary spastic paraplegia 62. Also called: Spastic paraplegia 62, autosomal recessive. Identifiers: Orphanet 401785, MedGen C4284588, MONDO:0014302, OMIM 615681.

Submission:

Labcorp Genetics (formerly Invitae), Labcorp
Classification: Uncertain significance for Hereditary spastic paraplegia 62. Last evaluated: 2022-11-29. Review status: criteria provided, single submitter. Criteria: Invitae Variant Classification Sherloc (09022015). Collection method: clinical testing. Allele origin: germline.
Comment: This variant has not been reported in the literature in individuals affected with ERLIN1-related conditions. Algorithms developed to predict the effect of missense changes on protein structure and function (SIFT, PolyPhen-2, Align-GVGD) all suggest that this variant is likely to be tolerated. In summary, the available evidence is currently insufficient to determine the role of this variant in disease. Therefore, it has been classified as a Variant of Uncertain Significance. This variant is not present in population databases (gnomAD no frequency). This sequence change replaces serine, which is neutral and polar, with arginine, which is basic and polar, at codon 346 of the ERLIN1 protein (p.Ser346Arg).